The following is an entry in ClinVar:

NM_020223.4(FAM20C):c.101A>T (p.Glu34Val)

Gene: FAM20C (FAM20C golgi associated secretory pathway kinase; plus strand). Cytogenetic location: 7p22.3.
Variant type: single nucleotide variant.
Coding change: c.101A>T on transcript NM_020223.4 (MANE Select); coding-DNA position 101, A replaced by T.
Protein change: p.Glu34Val; replaces glutamic acid 34 with valine.
Molecular consequence: missense variant.
Genome position (GRCh38, 1-based): chr7:193,300, A>T. VCF-style: chr7-193300-A-T. GRCh37 (hg19) VCF-style: chr7-193300-A-T.
Other names: short protein forms E34V.
Identifiers: ClinVar variation 4683147 (VCV004683147.1).

ClinVar aggregate classification (germline): Uncertain significance (1 of 4 stars; one submission).

Conditions:
Hypophosphataemia or rickets.

gnomAD v4.1: 10 of 1,411,424 alleles (0.00071%); highest among the groups gnomAD compares: Non-Finnish European, 0.00093%; no homozygotes.

Submission:

Cambridge Genomics Laboratory, East Genomic Laboratory Hub, NHS Genomic Medicine Service
Classification: Uncertain significance for Hypophosphataemia or rickets. Last evaluated: 2025-03-27. Review status: criteria provided, single submitter. Criteria: ACGS Best Practice Guidelines for Variant Classification in Rare Disease 2020. Collection method: clinical testing. Allele origin: germline. Affected: yes.
Comment: PM2